The following is an entry in ClinVar:

NM_000257.4(MYH7):c.4377G>A (p.Lys1459=)

Genes: MHRT (myosin heavy chain associated RNA transcript; plus strand), MYH7 (myosin heavy chain 7; minus strand). Cytogenetic location: 14q11.2.
Variant type: single nucleotide variant.
Coding change: c.4377G>A on transcript NM_000257.4 (MANE Select); coding-DNA position 4377, G replaced by A.
Protein change: p.Lys1459=; no amino-acid change (lysine 1459 retained).
Molecular consequence: synonymous variant. On other transcripts: non-coding transcript variant (1).
Genome position (GRCh38, 1-based): chr14:23,417,295, C>T on the plus strand (G>A on the coding strand, the complement: MYH7 is on the minus strand). VCF-style: chr14-23417295-C-T. GRCh37 (hg19) VCF-style: chr14-23886504-C-T.
Identifiers: ClinVar variation 1134654 (VCV001134654.15), dbSNP rs201307101, ClinGen allele CA042099.

ClinVar aggregate classification (germline): Likely benign. Review status: criteria provided, multiple submitters, no conflicts (2 of 4 stars). 5 submissions from 5 submitters: Likely benign (5). Last evaluated 2024-08-13.

Conditions:
Cardiomyopathy (CMYO). Also called: Cardiomyopathies. Identifiers: Orphanet 167848, MedGen C0878544, MONDO:0004994, HP:0001638. Inheritance: Various modes of inheritance.
Cardiovascular phenotype. Identifiers: MedGen CN230736.
Hypertrophic cardiomyopathy. Also called: HYPERTROPHIC MYOCARDIOPATHY. Identifiers: Orphanet 217569, MedGen C0007194, MeSH D002312, MONDO:0005045, HP:0001639.

gnomAD v4.1: 25 of 1,614,142 alleles (0.0015%); highest among the groups gnomAD compares: Non-Finnish European, 0.002%; no homozygotes.

Submissions (5):

All of Us Research Program, National Institutes of Health
Classification: Likely benign for Cardiomyopathy. Last evaluated: 2024-08-13. Review status: criteria provided, single submitter. Criteria: ACMG Guidelines, 2015. Collection method: clinical testing. Allele origin: germline. Inheritance: Autosomal dominant inheritance. Observed: 3 variant alleles, 3 heterozygotes.
Comment: This study involves interpretation of variants in research participants for the purpose of population health screening. Participant phenotype was not available at the time of variant classification. Additional details can be found in publication PMID: 35346344, PMCID: PMC8962531

Labcorp Genetics (formerly Invitae), Labcorp
Classification: Likely benign for Hypertrophic cardiomyopathy. Last evaluated: 2024-02-28. Review status: criteria provided, single submitter. Criteria: Invitae Variant Classification Sherloc (09022015). Collection method: clinical testing. Allele origin: germline.

Color Diagnostics, LLC DBA Color Health
Classification: Likely benign for Cardiomyopathy. Last evaluated: 2023-08-23. Review status: criteria provided, single submitter. Criteria: ACMG Guidelines, 2015. Collection method: clinical testing. Allele origin: germline.

Blueprint Genetics
Classification: Likely benign. Last evaluated: 2020-09-21. Review status: criteria provided, single submitter. Criteria: ACMG Guidelines, 2015. Collection method: clinical testing. Allele origin: germline.

Ambry Genetics
Classification: Likely benign for Cardiovascular phenotype. Last evaluated: 2020-09-15. Review status: criteria provided, single submitter. Criteria: Ambry Variant Classification Scheme 2023. Collection method: clinical testing. Allele origin: germline.